The following is an entry in ClinVar:

ClinVar aggregate classification (germline): Uncertain significance (1 of 4 stars; one submission).

Conditions:
Epilepsy, familial focal, with variable foci 3 (FFEVF3). Identifiers: MedGen C4310708, MONDO:0014925, OMIM 617118.

Submission:

Labcorp Genetics (formerly Invitae), Labcorp
Classification: Uncertain significance for Epilepsy, familial focal, with variable foci 3. Last evaluated: 2023-05-01. Review status: criteria provided, single submitter. Criteria: Invitae Variant Classification Sherloc (09022015). Collection method: clinical testing. Allele origin: unknown.
Comment: In summary, the available evidence is currently insufficient to determine the role of this variant in disease. Therefore, it has been classified as a Variant of Uncertain Significance. This variant has not been reported in the literature in individuals affected with NPRL3-related conditions. This variant results in a copy number gain of the genomic region encompassing exon(s) 4-14 of the NPRL3 gene. This region includes the termination codon of the gene. This copy number gain extends beyond the assayed region for this gene and therefore may encompass additional genes. As the precise location of this event is unknown, it may be in tandem or it may be located elsewhere in the genome.

NC_000016.9:g.(?_136704)_(169274_?)dup

Gene: NPRL3 (NPR3 like, GATOR1 complex subunit; minus strand). Cytogenetic location: 16p13.3.
Variant type: Duplication.
Identifiers: ClinVar variation 3243557 (VCV003243557.1).